The following is an entry in ClinVar:

NM_139076.3(ABRAXAS1):c.1105C>T (p.Arg369Ter)

Gene: ABRAXAS1 (abraxas 1, BRCA1 A complex subunit; minus strand). Cytogenetic location: 4q21.23.
Variant type: single nucleotide variant.
Coding change: c.1105C>T on transcript NM_139076.3 (MANE Select); coding-DNA position 1105, C replaced by T.
Protein change: p.Arg369Ter; replaces arginine 369 with a stop codon.
Molecular consequence: nonsense.
Genome position (GRCh38, 1-based): chr4:83,462,594, G>A on the plus strand (C>T on the coding strand, the complement: ABRAXAS1 is on the minus strand). VCF-style: chr4-83462594-G-A. GRCh37 (hg19) VCF-style: chr4-84383747-G-A.
Other names: c.778C>T, p.Arg260Ter (NM_001345962.2); short protein forms R260*, R369*.
Identifiers: ClinVar variation 962014 (VCV000962014.5), dbSNP rs1560570544, ClinGen allele CA357255121.

ClinVar aggregate classification (germline): Uncertain significance (1 of 4 stars; one submission).

Allele frequency attached by ClinVar (database versions not stated): gnomAD exomes below 0.00001.
gnomAD v4.1: 4 of 1,613,978 alleles (0.00025%); highest among the groups gnomAD compares: South Asian, 0.0011%; no homozygotes.

Submission:

Labcorp Genetics (formerly Invitae), Labcorp
Classification: Uncertain significance. Last evaluated: 2022-12-24. Review status: criteria provided, single submitter. Criteria: Invitae Variant Classification Sherloc (09022015). Collection method: clinical testing. Allele origin: germline.
Comment: This sequence change creates a premature translational stop signal (p.Arg369*) in the ABRAXAS1 gene. While this is not anticipated to result in nonsense mediated decay, it is expected to disrupt the last 41 amino acid(s) of the ABRAXAS1 protein. This variant is present in population databases (no rsID available, gnomAD 0.003%). This variant has not been reported in the literature in individuals affected with ABRAXAS1-related conditions. ClinVar contains an entry for this variant (Variation ID: 962014). In summary, the available evidence is currently insufficient to determine the role of this variant in disease. Therefore, it has been classified as a Variant of Uncertain Significance.